The following is an entry in ClinVar:

ClinVar aggregate classification (germline): Pathogenic. Review status: criteria provided, multiple submitters, no conflicts (2 of 4 stars). 2 submissions from 2 submitters: Pathogenic (2). Last evaluated 2025-07-15.

Conditions:
Hereditary cancer-predisposing syndrome. Also called: Neoplastic Syndromes, Hereditary; Tumor predisposition; Hereditary Cancer Syndrome; Hereditary neoplastic syndrome. Identifiers: Orphanet 140162, MedGen C0027672, MeSH D009386, MONDO:0015356.

Submissions (2):

Ambry Genetics
Classification: Pathogenic for Hereditary cancer-predisposing syndrome. Last evaluated: 2025-07-15. Review status: criteria provided, single submitter. Criteria: Ambry Variant Classification Scheme 2023. Collection method: clinical testing. Allele origin: germline.
Comment: The c.226dupA pathogenic mutation, located in coding exon 2 of the SMARCB1 gene, results from a duplication of A at nucleotide position 226, causing a translational frameshift with a predicted alternate stop codon (p.T76Nfs*2). This alteration is expected to result in loss of function by premature protein truncation or nonsense-mediated mRNA decay. Loss-of-function variants in SMARCB1 are known to cause rhabdoid tumor predisposition syndrome; however, such associations with neurodevelopmental disorders are exceedingly rare (Kosho T et al. Am J Med Genet C Semin Med Genet. 2014 Sep;166C(3):262-75; Eaton KW et al. Pediatr Blood Cancer. 2011 Jan;56(1):7-15). Based on the supporting evidence, this alteration is pathogenic for SMARCB1-related tumor predisposition syndrome; however, the association of this alteration with Coffin-Siris syndrome is unlikely.

Labcorp Genetics (formerly Invitae), Labcorp
Classification: Pathogenic. Last evaluated: 2025-07-09. Review status: criteria provided, single submitter. Criteria: Invitae Variant Classification Sherloc (09022015). Collection method: clinical testing. Allele origin: germline.
Comment: This sequence change creates a premature translational stop signal (p.Thr76Asnfs*2) in the SMARCB1 gene. It is expected to result in an absent or disrupted protein product. Loss-of-function variants in SMARCB1 are known to be pathogenic (PMID: 10521299, 21208904). This variant is present in population databases (no rsID available, gnomAD 0.01%). This variant has not been reported in the literature in individuals affected with SMARCB1-related conditions. For these reasons, this variant has been classified as Pathogenic.

Literature cited by the submitters: PubMed 10521299 (cited by Labcorp Genetics (formerly Invitae), Labcorp); PubMed 21208904 (cited by Labcorp Genetics (formerly Invitae), Labcorp).

NM_003073.5(SMARCB1):c.226dup (p.Thr76fs)

Gene: SMARCB1 (SWI/SNF related BAF chromatin remodeling complex subunit B1; plus strand). Cytogenetic location: 22q11.23.
Variant type: Duplication.
Coding change: c.226dup on transcript NM_003073.5 (MANE Select); coding-DNA position 226, one base duplicated (A; older notation c.226dupA).
Protein change: p.Thr76fs; shifts the reading frame from threonine 76.
Molecular consequence: frameshift variant. On other transcripts: intron variant (2).
Genome position (GRCh38, 1-based): chr22:23,791,888, A duplicated. VCF-style (leftmost placement, unchanged base first): chr22-23791887-C-CA. GRCh37 (hg19) VCF-style: chr22-24134074-C-CA.
Other names: c.226dupA (NM_003073.3); c.226dup, p.Thr76fs (NM_001362877.2); c.205+21dup (NM_001317946.2, NM_001007468.3); short protein forms T76fs.
Identifiers: ClinVar variation 4170230 (VCV004170230.2).